The following is an entry in ClinVar:

NM_006363.6(SEC23B):c.953T>C (p.Ile318Thr)

Gene: SEC23B (SEC23 homolog B, COPII component; plus strand). Cytogenetic location: 20p11.23.
Variant type: single nucleotide variant.
Coding change: c.953T>C on transcript NM_006363.6 (MANE Select); coding-DNA position 953, T replaced by C.
Protein change: p.Ile318Thr; replaces isoleucine 318 with threonine.
Molecular consequence: missense variant.
Genome position (GRCh38, 1-based): chr20:18,526,491, T>C. VCF-style: chr20-18526491-T-C. GRCh37 (hg19) VCF-style: chr20-18507135-T-C.
Other names: c.953T>C, p.Ile318Thr (NM_001172745.3, NM_032985.6, NM_032986.5); c.899T>C, p.Ile300Thr (NM_001172746.3); short protein forms I300T, I318T.
Identifiers: ClinVar variation 2925648 (VCV002925648.4), dbSNP rs953079477, ClinGen allele CA312396298.
Genomic context (GRCh38, chr20:18,526,491, plus strand): 5'-AAGGGCCTGGCATGGTGGTTGGAGATGAATTAAAGATTCCTATTCGTTCTTGGCATGATA[T>C]TGAGAAAGATAATGCACGATTCATGAAAAAGGCAACCAAGGTAGGTGCTCTTGGGTATGG-3'
Protein context (NP_006354.2, residues 308-328): LKIPIRSWHD[Ile318Thr]EKDNARFMKK

ClinVar aggregate classification (germline): Pathogenic/Likely pathogenic. Review status: criteria provided, multiple submitters, no conflicts (2 of 4 stars). 2 submissions from 2 submitters: Pathogenic (1); Likely pathogenic (1). Last evaluated 2024-12-30.

Conditions:
Congenital dyserythropoietic anemia, type II (CDAN2). Also called: DYSERYTHROPOIETIC ANEMIA, HEMPAS TYPE. Identifiers: Orphanet 98873, MedGen C1306589, MONDO:0009134, OMIM 224100.
Cowden syndrome 7 (CWS7). Identifiers: Orphanet 201, MedGen C4225179, MONDO:0014802, OMIM 616858.

Allele frequency attached by ClinVar (database versions not stated): gnomAD exomes below 0.00001; TOPMed below 0.00001.
gnomAD v4.1: 4 of 1,614,150 alleles (0.00025%); highest among the groups gnomAD compares: East Asian, 0.0022%; no homozygotes.

Submissions (2):

Women's Health and Genetics/Laboratory Corporation of America, LabCorp
Classification: Likely pathogenic for Congenital dyserythropoietic anemia, type II. Last evaluated: 2024-12-30. Review status: criteria provided, single submitter. Criteria: LabCorp Variant Classification Summary - May 2015. Collection method: clinical testing. Allele origin: germline.
Comment: Variant summary: SEC23B c.953T>C (p.Ile318Thr) results in a non-conservative amino acid change located in the Sec23/Sec24 trunk domain (IPR006896) of the encoded protein sequence. Five of five in-silico tools predict a damaging effect of the variant on protein function. The variant was absent in 251450 control chromosomes. c.953T>C has been reported in the literature in individuals affected with Congenital dyserythropoietic anemia, type II (Schwarz_2009, Iolascon_2010, Punzo_2011, Russo_2011). These data indicate that the variant is likely to be associated with disease. To our knowledge, no experimental evidence demonstrating an impact on protein function has been reported. The following publications have been ascertained in the context of this evaluation (PMID: 20015893, 22208203, 21850656, 19561605). ClinVar contains an entry for this variant (Variation ID: 2925648). Based on the evidence outlined above, the variant was classified as likely pathogenic.

Labcorp Genetics (formerly Invitae), Labcorp
Classification: Pathogenic for Congenital dyserythropoietic anemia, type II; Cowden syndrome 7. Last evaluated: 2023-11-11. Review status: criteria provided, single submitter. Criteria: Invitae Variant Classification Sherloc (09022015). Collection method: clinical testing. Allele origin: germline.
Comment: This sequence change replaces isoleucine, which is neutral and non-polar, with threonine, which is neutral and polar, at codon 318 of the SEC23B protein (p.Ile318Thr). This variant is not present in population databases (gnomAD no frequency). This missense change has been observed in individuals with congenital dyserythropoietic anemia, type II (CDAII) (PMID: 19561605, 20015893, 22208203). An algorithm developed to predict the effect of missense changes on protein structure and function (PolyPhen-2) suggests that this variant is likely to be disruptive. Experimental studies have shown that this missense change affects SEC23B function (PMID: 19561605). For these reasons, this variant has been classified as Pathogenic.

Literature cited by the submitters: PubMed 20015893 (cited by Women's Health and Genetics/Laboratory Corporation of America, LabCorp and Labcorp Genetics (formerly Invitae), Labcorp); PubMed 22208203 (cited by Women's Health and Genetics/Laboratory Corporation of America, LabCorp and Labcorp Genetics (formerly Invitae), Labcorp); PubMed 21850656 (cited by Women's Health and Genetics/Laboratory Corporation of America, LabCorp); PubMed 19561605 (cited by Women's Health and Genetics/Laboratory Corporation of America, LabCorp and Labcorp Genetics (formerly Invitae), Labcorp).